The following is an entry in ClinVar:

NM_001130987.2(DYSF):c.2205C>T (p.Ile735=)

Gene: DYSF (dysferlin; plus strand). Cytogenetic location: 2p13.2.
Variant type: single nucleotide variant.
Coding change: c.2205C>T on transcript NM_001130987.2 (MANE Select); coding-DNA position 2205, C replaced by T.
Protein change: p.Ile735=; no amino-acid change (isoleucine 735 retained).
Molecular consequence: synonymous variant.
Genome position (GRCh38, 1-based): chr2:71,556,060, C>T. VCF-style: chr2-71556060-C-T. GRCh37 (hg19) VCF-style: chr2-71783190-C-T.
Other names: c.2154C>T, p.Ile718= (NM_001130455.2, NM_001130983.2); c.2109C>T, p.Ile703= (NM_001130976.2, NM_001130977.2); c.2151C>T, p.Ile717= (NM_001130978.2, NM_003494.4); c.2244C>T, p.Ile748= (NM_001130979.2); c.2202C>T, p.Ile734= (NM_001130980.2, NM_001130981.2); c.2247C>T, p.Ile749= (NM_001130982.2); c.2112C>T, p.Ile704= (NM_001130984.2, NM_001130986.2); c.2205C>T, p.Ile735= (NM_001130985.2).
Identifiers: ClinVar variation 289483 (VCV000289483.20), dbSNP rs754177085, ClinGen allele CA1706081.

ClinVar aggregate classification (germline): Conflicting classifications of pathogenicity. Review status: criteria provided, conflicting classifications (1 of 4 stars). 4 submissions from 4 submitters: Uncertain significance (2); Likely benign (1). 1 of the submissions does not count toward it. Last evaluated 2025-10-08.

Conditions:
DYSF-related disorder. Also called: DYSF-related condition; DYSF-related disorders.
Neuromuscular disease caused by qualitative or quantitative defects of dysferlin. Also called: Dysferlinopathy; Qualitative or quantitative defects of dysferlin. Identifiers: Orphanet 207073, MedGen C2931687, MONDO:0016145.

Allele frequency attached by ClinVar (database versions not stated): gnomAD exomes 0.00001 and 0.00003; gnomAD 0.00003; TOPMed 0.00003; ExAC 0.00004.
gnomAD v4.1: 43 of 1,571,382 alleles (0.0027%); highest among the groups gnomAD compares: Non-Finnish European, 0.0034%; no homozygotes.

Submissions (4):

Labcorp Genetics (formerly Invitae), Labcorp
Classification: Likely benign for Neuromuscular disease caused by qualitative or quantitative defects of dysferlin. Last evaluated: 2025-10-08. Review status: criteria provided, single submitter. Criteria: Invitae Variant Classification Sherloc (09022015). Collection method: clinical testing. Allele origin: germline.

Illumina Laboratory Services, Illumina
Classification: Uncertain significance for Qualitative or quantitative defects of dysferlin. Last evaluated: 2018-01-13. Review status: criteria provided, single submitter. Criteria: ICSL Variant Classification Criteria 13 December 2019. Collection method: clinical testing. Allele origin: germline.

Eurofins Ntd Llc (ga)
Classification: Uncertain significance. Last evaluated: 2016-07-25. Review status: criteria provided, single submitter. Criteria: EGL Classification Definitions 2015. Collection method: clinical testing. Allele origin: germline. Observed: 2 variant alleles, 2 heterozygotes.

PreventionGenetics, part of Exact Sciences
Classification: Likely benign for DYSF-related condition. Last evaluated: 2019-04-01. Review status: no assertion criteria provided. Collection method: clinical testing. Allele origin: germline. Not counted in ClinVar's aggregate classification.
Comment: This variant is classified as likely benign based on ACMG/AMP sequence variant interpretation guidelines (Richards et al. 2015 PMID: 25741868, with internal and published modifications).